The following is an entry in ClinVar:

ClinVar aggregate classification (germline): Uncertain significance. Review status: criteria provided, multiple submitters, no conflicts (2 of 4 stars). 3 submissions from 3 submitters: Uncertain significance (3). Last evaluated 2025-11-22.

Conditions:
Hereditary pheochromocytoma and paraganglioma. Also called: Hereditary pheochromocytoma-paraganglioma; Hereditary Paraganglioma-Pheochromocytoma Syndromes; Hereditary paragangliomas and pheochromocytomas. Identifiers: Orphanet 29072, MedGen C4274332, MONDO:0017366.
Pheochromocytoma. Also called: MAX-Related Hereditary Paraganglioma-Pheochromocytoma Syndrome. Identifiers: Orphanet 29072, MedGen C0031511, MONDO:0008233, OMIM 171300, HP:0002666.
Hereditary cancer-predisposing syndrome. Also called: Hereditary neoplastic syndrome; Hereditary Cancer Syndrome; Tumor predisposition; Neoplastic Syndromes, Hereditary. Identifiers: Orphanet 140162, MedGen C0027672, MeSH D009386, MONDO:0015356.

Allele frequency attached by ClinVar (database versions not stated): gnomAD exomes below 0.00001.
gnomAD v4.1: 1 of 1,614,096 alleles (0.000062%); highest among the groups gnomAD compares: Non-Finnish European, 0.000085%; no homozygotes.

Submissions (3):

Labcorp Genetics (formerly Invitae), Labcorp
Classification: Uncertain significance for Hereditary pheochromocytoma and paraganglioma. Last evaluated: 2025-11-22. Review status: criteria provided, single submitter. Criteria: Invitae Variant Classification Sherloc (09022015). Collection method: clinical testing. Allele origin: germline.
Comment: This sequence change replaces alanine, which is neutral and non-polar, with threonine, which is neutral and polar, at codon 190 of the TMEM127 protein (p.Ala190Thr). This variant is not present in population databases (gnomAD no frequency). This missense change has been observed in individual(s) with clinical features of paraganglioma-pheochromocytoma syndrome (PMID: 28384794, 33051659). ClinVar contains an entry for this variant (Variation ID: 941668). An algorithm developed to predict the effect of missense changes on protein structure and function (PolyPhen-2) suggests that this variant is likely to be disruptive. Experimental studies are conflicting or provide insufficient evidence to determine the effect of this variant on TMEM127 function (PMID: 32575117). In summary, the available evidence is currently insufficient to determine the role of this variant in disease. Therefore, it has been classified as a Variant of Uncertain Significance.

Ambry Genetics
Classification: Uncertain significance for Hereditary cancer-predisposing syndrome. Last evaluated: 2023-10-27. Review status: criteria provided, single submitter. Criteria: Ambry Variant Classification Scheme 2023. Collection method: clinical testing. Allele origin: germline.
Comment: The p.A190T variant (also known as c.568G>A), located in coding exon 3 of the TMEM127 gene, results from a G to A substitution at nucleotide position 568. The alanine at codon 190 is replaced by threonine, an amino acid with similar properties. This amino acid position is highly conserved in available vertebrate species. In addition, this alteration is predicted to be deleterious by in silico analysis. Since supporting evidence is limited at this time, the clinical significance of this alteration remains unclear.

Baylor Genetics
Classification: Uncertain significance for Pheochromocytoma. Last evaluated: 2023-05-26. Review status: criteria provided, single submitter. Criteria: ACMG Guidelines, 2015. Collection method: clinical testing. Allele origin: unknown.

Literature cited by the submitters: PubMed 28384794 (cited by Labcorp Genetics (formerly Invitae), Labcorp); PubMed 33051659 (cited by Labcorp Genetics (formerly Invitae), Labcorp); PubMed 32575117 (cited by Labcorp Genetics (formerly Invitae), Labcorp).

NM_017849.4(TMEM127):c.568G>A (p.Ala190Thr)

Gene: TMEM127 (transmembrane protein 127; minus strand). Cytogenetic location: 2q11.2.
Variant type: single nucleotide variant.
Coding change: c.568G>A on transcript NM_017849.4 (MANE Select); coding-DNA position 568, G replaced by A.
Protein change: p.Ala190Thr; replaces alanine 190 with threonine.
Molecular consequence: missense variant.
Genome position (GRCh38, 1-based): chr2:96,253,957, C>T on the plus strand (G>A on the coding strand, the complement: TMEM127 is on the minus strand). VCF-style: chr2-96253957-C-T. GRCh37 (hg19) VCF-style: chr2-96919695-C-T.
Other names: c.568G>A, p.Ala190Thr (NM_001193304.3); short protein forms A190T.
Identifiers: ClinVar variation 941668 (VCV000941668.11), dbSNP rs373781978, ClinGen allele CA347652319.